The following is an entry in ClinVar:

NM_000540.3(RYR1):c.10558A>G (p.Ile3520Val)

Gene: RYR1 (ryanodine receptor 1; plus strand). Cytogenetic location: 19q13.2.
Variant type: single nucleotide variant.
Coding change: c.10558A>G on transcript NM_000540.3 (MANE Select); coding-DNA position 10558, A replaced by G.
Protein change: p.Ile3520Val; replaces isoleucine 3520 with valine.
Molecular consequence: missense variant.
Genome position (GRCh38, 1-based): chr19:38,525,434, A>G. VCF-style: chr19-38525434-A-G. GRCh37 (hg19) VCF-style: chr19-39016074-A-G.
Other names: c.10543A>G, p.Ile3515Val (NM_001042723.2); short protein forms I3520V, I3515V.
Identifiers: ClinVar variation 2185568 (VCV002185568.3), dbSNP rs752383439, ClinGen allele CA053997.

ClinVar aggregate classification (germline): Uncertain significance. Review status: criteria provided, multiple submitters, no conflicts (2 of 4 stars). 3 submissions from 3 submitters: Uncertain significance (3). Last evaluated 2025-06-23.

Conditions:
RYR1-related disorder. Also called: RYR1-related disorders; RYR1-related condition. Identifiers: MedGen CN239331.
Malignant hyperthermia, susceptibility to, 1 (MHS1). Also called: RYR1-Related Malignant Hyperthermia Susceptibility; Malignant hyperthermia suceptibility 1; Anesthesia related hyperthermia; Malignant hyperpyrexia; Fulminating hyperpyrexia; Pharmacogenic myopathy. Identifiers: Orphanet 423, MedGen C2930980, MONDO:0007783, OMIM 145600.

Allele frequency attached by ClinVar (database versions not stated): ExAC 0.00001; gnomAD 0.00001; gnomAD exomes 0.00001.
gnomAD v4.1: 11 of 1,613,806 alleles (0.00068%); highest among the groups gnomAD compares: Admixed American, 0.0017%; no homozygotes.

Submissions (3):

Color Diagnostics, LLC DBA Color Health
Classification: Uncertain significance for Malignant hyperthermia, susceptibility to, 1. Last evaluated: 2025-06-23. Review status: criteria provided, single submitter. Criteria: ACMG Guidelines, 2015. Collection method: clinical testing. Allele origin: germline.
Comment: This missense variant replaces isoleucine with valine at codon 3520 of the RYR1 protein. Computational prediction suggests that this variant may not impact protein structure and function. To our knowledge, functional studies have not been reported for this variant. This variant has not been reported in individuals affected with RYR1-related disorders in the literature. This variant has been identified in 3/251328 chromosomes in the general population by the Genome Aggregation Database (gnomAD). The available evidence is insufficient to determine the role of this variant in disease conclusively. Therefore, this variant is classified as a Variant of Uncertain Significance.

All of Us Research Program, National Institutes of Health
Classification: Uncertain significance for Malignant hyperthermia, susceptibility to, 1. Last evaluated: 2024-01-11. Review status: criteria provided, single submitter. Criteria: ACMG Guidelines, 2015. Collection method: clinical testing. Allele origin: germline. Inheritance: Autosomal dominant inheritance. Observed: 1 variant allele, 1 heterozygote.
Comment: This study involves interpretation of variants in research participants for the purpose of population health screening. Participant phenotype was not available at the time of variant classification. Additional details can be found in publication PMID: 35346344, PMCID: PMC8962531

Labcorp Genetics (formerly Invitae), Labcorp
Classification: Uncertain significance for RYR1-related disorder. Last evaluated: 2021-08-28. Review status: criteria provided, single submitter. Criteria: Invitae Variant Classification Sherloc (09022015). Collection method: clinical testing. Allele origin: germline.
Comment: This sequence change replaces isoleucine with valine at codon 3520 of the RYR1 protein (p.Ile3520Val). The isoleucine residue is highly conserved and there is a small physicochemical difference between isoleucine and valine. This variant is present in population databases (rs752383439, ExAC 0.002%). This variant has not been reported in the literature in individuals affected with RYR1-related conditions. Advanced modeling of protein sequence and biophysical properties (such as structural, functional, and spatial information, amino acid conservation, physicochemical variation, residue mobility, and thermodynamic stability) performed at Invitae indicates that this missense variant is not expected to disrupt RYR1 protein function. In summary, the available evidence is currently insufficient to determine the role of this variant in disease. Therefore, it has been classified as a Variant of Uncertain Significance.